The following is an entry in ClinVar:

NM_015164.4(PLEKHM2):c.1213C>T (p.Arg405Cys)

Gene: PLEKHM2 (pleckstrin homology and RUN domain containing M2; plus strand). Cytogenetic location: 1p36.21.
Variant type: single nucleotide variant.
Coding change: c.1213C>T on transcript NM_015164.4 (MANE Select); coding-DNA position 1213, C replaced by T.
Protein change: p.Arg405Cys; replaces arginine 405 with cysteine.
Molecular consequence: missense variant.
Genome position (GRCh38, 1-based): chr1:15,727,285, C>T. VCF-style: chr1-15727285-C-T. GRCh37 (hg19) VCF-style: chr1-16053780-C-T.
Other names: short protein forms R405C.
Identifiers: ClinVar variation 1497695 (VCV001497695.6), dbSNP rs749518615, ClinGen allele CA616888.

ClinVar aggregate classification (germline): Uncertain significance (1 of 4 stars; one submission).

Allele frequency attached by ClinVar (database versions not stated): ExAC 0.00001; gnomAD exomes 0.00001; gnomAD 0.00002 and 0.00003.

Submission:

Labcorp Genetics (formerly Invitae), Labcorp
Classification: Uncertain significance. Last evaluated: 2023-06-20. Review status: criteria provided, single submitter. Criteria: Invitae Variant Classification Sherloc (09022015). Collection method: clinical testing. Allele origin: germline.
Comment: In summary, the available evidence is currently insufficient to determine the role of this variant in disease. Therefore, it has been classified as a Variant of Uncertain Significance. Algorithms developed to predict the effect of missense changes on protein structure and function output the following: SIFT: "Not Available"; PolyPhen-2: "Benign"; Align-GVGD: "Not Available". The cysteine amino acid residue is found in multiple mammalian species, which suggests that this missense change does not adversely affect protein function. ClinVar contains an entry for this variant (Variation ID: 1497695). This variant has not been reported in the literature in individuals affected with PLEKHM2-related conditions. This variant is present in population databases (rs749518615, gnomAD 0.003%). This sequence change replaces arginine, which is basic and polar, with cysteine, which is neutral and slightly polar, at codon 405 of the PLEKHM2 protein (p.Arg405Cys).